The following is an entry in ClinVar:

ClinVar aggregate classification (germline): Pathogenic/Likely pathogenic. Review status: criteria provided, multiple submitters, no conflicts (2 of 4 stars). 2 submissions from 2 submitters: Pathogenic (1); Likely pathogenic (1). Last evaluated 2025-04-07.

Conditions:
Combined oxidative phosphorylation defect type 11. Also called: ENCEPHALONEUROMYOPATHY, INFANTILE, DUE TO MITOCHONDRIAL TRANSLATION DEFECT; Combined oxidative phosphorylation deficiency 11. Identifiers: Orphanet 324535, MedGen C5190991, MONDO:0013969, OMIM 614922.

Allele frequency attached by ClinVar (database versions not stated): gnomAD exomes below 0.00001 and 0.00001; ExAC 0.00001; gnomAD 0.00001; TOPMed 0.00002; ESP Exome Variant Server 0.00008.
gnomAD v4.1: 12 of 1,613,620 alleles (0.00074%); highest among the groups gnomAD compares: East Asian, 0.0022%; no homozygotes.

Submissions (2):

Victorian Clinical Genetics Services, Murdoch Childrens Research Institute
Classification: Likely pathogenic for Combined oxidative phosphorylation defect type 11. Last evaluated: 2025-04-07. Review status: criteria provided, single submitter. Criteria: ACMG Guidelines, 2015. Collection method: clinical testing. Allele origin: germline.
Comment: This variant is classified as Likely pathogenic. Evidence in support of pathogenic classification: Variant is predicted to result in a truncated protein (premature termination codon is located within the first 102 nucleotides of the coding sequence and is predicted to escape nonsense-mediated decay); Variant is present in gnomAD <0.01 for a recessive condition (v4: 12 heterozygote(s), 0 homozygote(s)); This variant has limited previous evidence of pathogenicity in unrelated individual(s). This variant has been classified as pathogenic by a clinical laboratory in ClinVar however no case level information was available (Invitae personal communication). This variant has also been reported in two siblings with renal tubular acidosis, hearing loss, seizures, and neurodevelopmental delays, however no second variant was identified (GeneDx personal communication); Another 5' NMD escape variant comparable to the one identified in this case has limited previous evidence for pathogenicity. p.(Met29Ilefs*2) has been classified as pathogenic by multiple clinical laboratories in ClinVar in trans with other RMND1 variants in individuals with RMND1-related symptoms (personal communication). Additional information: This variant is heterozygous; This gene is associated with autosomal recessive disease; No published segregation evidence has been identified for this variant; No published functional evidence has been identified for this variant; Loss of function is a known mechanism of disease in this gene and is associated with combined oxidative phosphorylation deficiency 11 (MIM#614922).

Labcorp Genetics (formerly Invitae), Labcorp
Classification: Pathogenic. Last evaluated: 2022-06-09. Review status: criteria provided, single submitter. Criteria: Invitae Variant Classification Sherloc (09022015). Collection method: clinical testing. Allele origin: germline.
Comment: For these reasons, this variant has been classified as Pathogenic. This variant has not been reported in the literature in individuals affected with RMND1-related conditions. This variant is present in population databases (rs144647126, gnomAD 0.0009%). This sequence change creates a premature translational stop signal (p.Arg23*) in the RMND1 gene. It is expected to result in an absent or disrupted protein product. Loss-of-function variants in RMND1 are known to be pathogenic (PMID: 27412952).

Literature cited by the submitters: PubMed 27412952 (cited by Labcorp Genetics (formerly Invitae), Labcorp).

NM_017909.4(RMND1):c.67C>T (p.Arg23Ter)

Gene: RMND1 (required for meiotic nuclear division 1 homolog; minus strand). Cytogenetic location: 6q25.1.
Variant type: single nucleotide variant.
Coding change: c.67C>T on transcript NM_017909.4 (MANE Select); coding-DNA position 67, C replaced by T.
Protein change: p.Arg23Ter; replaces arginine 23 with a stop codon.
Molecular consequence: nonsense. On other transcripts: intron variant (1).
Genome position (GRCh38, 1-based): chr6:151,445,745, G>A on the plus strand (C>T on the coding strand, the complement: RMND1 is on the minus strand). VCF-style: chr6-151445745-G-A. GRCh37 (hg19) VCF-style: chr6-151766880-G-A.
Other names: c.-7+6271C>T (NM_001271937.2); short protein forms R23*.
Identifiers: ClinVar variation 1376636 (VCV001376636.8), dbSNP rs144647126, ClinGen allele CA4051107.